The following is an entry in ClinVar:

NM_001114753.3(ENG):c.911G>A (p.Arg304Gln)

Gene: ENG (endoglin; minus strand). Cytogenetic location: 9q34.11.
Variant type: single nucleotide variant.
Coding change: c.911G>A on transcript NM_001114753.3 (MANE Select); coding-DNA position 911, G replaced by A.
Protein change: p.Arg304Gln; replaces arginine 304 with glutamine.
Molecular consequence: missense variant.
Genome position (GRCh38, 1-based): chr9:127,824,880, C>T on the plus strand (G>A on the coding strand, the complement: ENG is on the minus strand). VCF-style: chr9-127824880-C-T. GRCh37 (hg19) VCF-style: chr9-130587159-C-T.
Other names: p.Arg304Gln; c.911G>A (NM_001114753.1); c.911G>A, p.Arg304Gln (NM_000118.4, NM_001406715.1); c.365G>A, p.Arg122Gln (NM_001278138.2); short protein forms R304Q, R122Q.
Identifiers: ClinVar variation 528052 (VCV000528052.14), dbSNP rs753429934, ClinGen allele CA5252939.

ClinVar aggregate classification (germline): Conflicting classifications of pathogenicity. Review status: criteria provided, conflicting classifications (1 of 4 stars). 3 submissions from 3 submitters: Uncertain significance (1); Likely benign (2). Last evaluated 2025-12-11.

Conditions:
Hereditary hemorrhagic telangiectasia (HHT). Also called: Osler hemorrhagic telangiectasia syndrome; ORW DISEASE; Osler Weber Rendu syndrome; OSLER-RENDU-WEBER DISEASE. Identifiers: Orphanet 774, MedGen C0039445, MONDO:0019180. Disease mechanism: loss of function.
Cardiovascular phenotype. Identifiers: MedGen CN230736.

Allele frequency attached by ClinVar (database versions not stated): gnomAD exomes 0.00001 and 0.00002; TOPMed 0.00001; gnomAD 0.00003 and 0.00001; ExAC 0.00003.
gnomAD v4.1: 25 of 1,612,022 alleles (0.0016%); highest among the groups gnomAD compares: South Asian, 0.011%; no homozygotes.

Submissions (3):

Ambry Genetics
Classification: Likely benign for Cardiovascular phenotype. Last evaluated: 2025-12-11. Review status: criteria provided, single submitter. Criteria: Ambry Variant Classification Scheme 2023. Collection method: clinical testing. Allele origin: germline.

Labcorp Genetics (formerly Invitae), Labcorp
Classification: Likely benign for Hereditary hemorrhagic telangiectasia. Last evaluated: 2024-02-29. Review status: criteria provided, single submitter. Criteria: Invitae Variant Classification Sherloc (09022015). Collection method: clinical testing. Allele origin: germline.

Mayo Clinic Laboratories, Mayo Clinic
Classification: Uncertain significance. Last evaluated: 2022-02-08. Review status: criteria provided, single submitter. Criteria: ACMG Guidelines, 2015. Collection method: clinical testing. Allele origin: germline. Observed: 1 variant allele.
Comment: BP4